The following is an entry in ClinVar:

NM_004168.4(SDHA):c.1237A>C (p.Ile413Leu)

Gene: SDHA (succinate dehydrogenase complex flavoprotein subunit A; plus strand). Cytogenetic location: 5p15.33.
Variant type: single nucleotide variant.
Coding change: c.1237A>C on transcript NM_004168.4 (MANE Select); coding-DNA position 1237, A replaced by C.
Protein change: p.Ile413Leu; replaces isoleucine 413 with leucine.
Molecular consequence: missense variant.
Genome position (GRCh38, 1-based): chr5:235,316, A>C. VCF-style: chr5-235316-A-C. GRCh37 (hg19) VCF-style: chr5-235431-A-C.
Other names: c.1237A>C (NM_004168.2); c.1093A>C, p.Ile365Leu (NM_001294332.2); c.1237A>C, p.Ile413Leu (NM_001330758.2); short protein forms I413L, I365L.
Identifiers: ClinVar variation 2948988 (VCV002948988.4), dbSNP rs1375757287, ClinGen allele CA359013730.

ClinVar aggregate classification (germline): Uncertain significance. Review status: criteria provided, multiple submitters, no conflicts (2 of 4 stars). 2 submissions from 2 submitters: Uncertain significance (2). Last evaluated 2025-06-03.

Conditions:
Hereditary cancer-predisposing syndrome. Also called: Neoplastic Syndromes, Hereditary; Tumor predisposition; Hereditary Cancer Syndrome; Hereditary neoplastic syndrome. Identifiers: Orphanet 140162, MedGen C0027672, MeSH D009386, MONDO:0015356.
Mitochondrial complex II deficiency, nuclear type 1. Also called: SUCCINATE CoQ REDUCTASE DEFICIENCY. Identifiers: Orphanet 3208, MedGen C5700310, MONDO:0100294, OMIM 252011.
Pheochromocytoma/paraganglioma syndrome 5. Also called: Paragangliomas 5; SDHA-Related Hereditary Paraganglioma-Pheochromocytoma Syndrome. Identifiers: Orphanet 29072, MedGen C3279992, MONDO:0013602, OMIM 614165.

Allele frequency attached by ClinVar (database versions not stated): gnomAD exomes 0.00001.
gnomAD v4.1: 3 of 1,614,192 alleles (0.00019%); highest among the groups gnomAD compares: Non-Finnish European, 0.00025%; no homozygotes.

Submissions (2):

Labcorp Genetics (formerly Invitae), Labcorp
Classification: Uncertain significance for Pheochromocytoma/paraganglioma syndrome 5; Mitochondrial complex II deficiency, nuclear type 1. Last evaluated: 2025-06-03. Review status: criteria provided, single submitter. Criteria: Invitae Variant Classification Sherloc (09022015). Collection method: clinical testing. Allele origin: germline.
Comment: This sequence change replaces isoleucine, which is neutral and non-polar, with leucine, which is neutral and non-polar, at codon 413 of the SDHA protein (p.Ile413Leu). This variant is not present in population databases (gnomAD no frequency). This variant has not been reported in the literature in individuals affected with SDHA-related conditions. ClinVar contains an entry for this variant (Variation ID: 2948988). Invitae Evidence Modeling of protein sequence and biophysical properties (such as structural, functional, and spatial information, amino acid conservation, physicochemical variation, residue mobility, and thermodynamic stability) indicates that this missense variant is not expected to disrupt SDHA protein function with a negative predictive value of 95%. In summary, the available evidence is currently insufficient to determine the role of this variant in disease. Therefore, it has been classified as a Variant of Uncertain Significance.

Ambry Genetics
Classification: Uncertain significance for Hereditary cancer-predisposing syndrome. Last evaluated: 2023-12-05. Review status: criteria provided, single submitter. Criteria: Ambry Variant Classification Scheme 2023. Collection method: clinical testing. Allele origin: germline.
Comment: The p.I413L variant (also known as c.1237A>C), located in coding exon 9 of the SDHA gene, results from an A to C substitution at nucleotide position 1237. The isoleucine at codon 413 is replaced by leucine, an amino acid with highly similar properties. This amino acid position is conserved. In addition, the in silico prediction for this alteration is inconclusive. Since supporting evidence is limited at this time, the clinical significance of this alteration remains unclear.